The following is an entry in ClinVar:

ClinVar aggregate classification (germline): Uncertain significance (1 of 4 stars; one submission).

Conditions:
Oculodentodigital dysplasia, autosomal recessive. Also called: OCULODENTOOSSEOUS DYSPLASIA, AUTOSOMAL RECESSIVE; ODDD, AUTOSOMAL RECESSIVE; ODOD, AUTOSOMAL RECESSIVE. Identifiers: Orphanet 2710, MedGen C2749477, MONDO:0009768, OMIM 257850.

Allele frequency attached by ClinVar (database versions not stated): gnomAD exomes below 0.00001.
gnomAD v4.1: 2 of 1,614,096 alleles (0.00012%); highest among the groups gnomAD compares: Non-Finnish European, 0.00017%; no homozygotes.

Submission:

Labcorp Genetics (formerly Invitae), Labcorp
Classification: Uncertain significance for Oculodentodigital dysplasia, autosomal recessive. Last evaluated: 2022-08-20. Review status: criteria provided, single submitter. Criteria: Invitae Variant Classification Sherloc (09022015). Collection method: clinical testing. Allele origin: germline.
Comment: This sequence change replaces proline, which is neutral and non-polar, with leucine, which is neutral and non-polar, at codon 284 of the GJA1 protein (p.Pro284Leu). In summary, the available evidence is currently insufficient to determine the role of this variant in disease. Therefore, it has been classified as a Variant of Uncertain Significance. Algorithms developed to predict the effect of missense changes on protein structure and function are either unavailable or do not agree on the potential impact of this missense change (SIFT: "Deleterious"; PolyPhen-2: "Possibly Damaging"; Align-GVGD: "Class C0"). This variant has not been reported in the literature in individuals affected with GJA1-related conditions. This variant is not present in population databases (gnomAD no frequency).

NM_000165.5(GJA1):c.851C>T (p.Pro284Leu)

Gene: GJA1 (gap junction protein alpha 1; plus strand). Cytogenetic location: 6q22.31.
Variant type: single nucleotide variant.
Coding change: c.851C>T on transcript NM_000165.5 (MANE Select); coding-DNA position 851, C replaced by T.
Protein change: p.Pro284Leu; replaces proline 284 with leucine.
Molecular consequence: missense variant.
Genome position (GRCh38, 1-based): chr6:121,447,698, C>T. VCF-style: chr6-121447698-C-T. GRCh37 (hg19) VCF-style: chr6-121768844-C-T.
Other names: short protein forms P284L.
Identifiers: ClinVar variation 1904972 (VCV001904972.5), dbSNP rs1773912980, ClinGen allele CA365559914.